The following is an entry in ClinVar:

NM_000320.3(QDPR):c.37G>A (p.Val13Met)

Genes: QDPR (quinoid dihydropteridine reductase; minus strand), LOC129992304 (ATAC-STARR-seq lymphoblastoid silent region 15310; plus strand). Cytogenetic location: 4p15.32.
Variant type: single nucleotide variant.
Coding change: c.37G>A on transcript NM_000320.3 (MANE Select); coding-DNA position 37, G replaced by A.
Protein change: p.Val13Met; replaces valine 13 with methionine.
Molecular consequence: missense variant. On other transcripts: non-coding transcript variant (1).
Genome position (GRCh38, 1-based): chr4:17,512,018, C>T on the plus strand (G>A on the coding strand, the complement: QDPR is on the minus strand). VCF-style: chr4-17512018-C-T. GRCh37 (hg19) VCF-style: chr4-17513641-C-T.
Other names: c.37G>A, p.Val13Met (NM_001306140.2); c.37G>A (NM_000320.2); short protein forms V13M.
Identifiers: ClinVar variation 2153684 (VCV002153684.2), dbSNP rs908304073, ClinGen allele CA92608343.

ClinVar aggregate classification (germline): Uncertain significance. Review status: criteria provided, multiple submitters, no conflicts (2 of 4 stars). 2 submissions from 2 submitters: Uncertain significance (2). Last evaluated 2025-03-01.

Conditions:
Dihydropteridine reductase deficiency (HPABH4C). Also called: BH4-Deficient Hyperphenylalaninemia C; HYPERPHENYLALANINEMIA, TETRAHYDROBIOPTERIN-DEFICIENT, DUE TO DHPR DEFICIENCY; QDPR DEFICIENCY; QUINOID DIHYDROPTERIDINE REDUCTASE DEFICIENCY; Phenylketonuria II; Hyperphenylalaninemia due to dihydropteridine reductase deficiency. Identifiers: Orphanet 226, Orphanet 238583, MedGen C0268465, MONDO:0009862, OMIM 261630.
Inborn genetic diseases. Identifiers: MedGen C0950123, MeSH D030342.

Allele frequency attached by ClinVar (database versions not stated): gnomAD 0.00002; TOPMed 0.00006.
gnomAD v4.1: 6 of 1,607,300 alleles (0.00037%); highest among the groups gnomAD compares: Admixed American, 0.005%; no homozygotes.

Submissions (2):

Ambry Genetics
Classification: Uncertain significance for Inborn genetic diseases. Last evaluated: 2025-03-01. Review status: criteria provided, single submitter. Criteria: Ambry Variant Classification Scheme 2023. Collection method: clinical testing. Allele origin: germline.

Labcorp Genetics (formerly Invitae), Labcorp
Classification: Uncertain significance for Dihydropteridine reductase deficiency. Last evaluated: 2022-05-15. Review status: criteria provided, single submitter. Criteria: Invitae Variant Classification Sherloc (09022015). Collection method: clinical testing. Allele origin: germline.
Comment: This sequence change replaces valine, which is neutral and non-polar, with methionine, which is neutral and non-polar, at codon 13 of the QDPR protein (p.Val13Met). This variant is not present in population databases (gnomAD no frequency). This variant has not been reported in the literature in individuals affected with QDPR-related conditions. Algorithms developed to predict the effect of missense changes on protein structure and function are either unavailable or do not agree on the potential impact of this missense change (SIFT: "Deleterious"; PolyPhen-2: "Probably Damaging"; Align-GVGD: "Class C0"). In summary, the available evidence is currently insufficient to determine the role of this variant in disease. Therefore, it has been classified as a Variant of Uncertain Significance.